The following is an entry in ClinVar:

ClinVar aggregate classification (germline): Uncertain significance (1 of 4 stars; one submission).

Conditions:
Van der Woude syndrome 2 (VWS2). Identifiers: Orphanet 888, MedGen C1847604, MONDO:0011712, OMIM 606713.

gnomAD v4.1: 1 of 1,608,132 alleles (0.000062%); highest among the groups gnomAD compares: Non-Finnish European, 0.000085%; no homozygotes.

Submission:

Labcorp Genetics (formerly Invitae), Labcorp
Classification: Uncertain significance for Van der Woude syndrome 2. Last evaluated: 2025-08-17. Review status: criteria provided, single submitter. Criteria: Invitae Variant Classification Sherloc (09022015). Collection method: clinical testing. Allele origin: germline.
Comment: This sequence change replaces arginine, which is basic and polar, with tryptophan, which is neutral and slightly polar, at codon 313 of the GRHL3 protein (p.Arg313Trp). This variant is not present in population databases (gnomAD no frequency). This missense change has been observed in individual(s) with nonsyndromic cleft lip and/or palate (PMID: 27018475). An algorithm developed to predict the effect of missense changes on protein structure and function (PolyPhen-2) suggests that this variant is likely to be disruptive. In summary, the available evidence is currently insufficient to determine the role of this variant in disease. Therefore, it has been classified as a Variant of Uncertain Significance.

Literature cited by the submitters: PubMed 27018475.

NM_198173.3(GRHL3):c.937C>T (p.Arg313Trp)

Gene: GRHL3 (grainyhead like transcription factor 3; plus strand). Cytogenetic location: 1p36.11.
Variant type: single nucleotide variant.
Coding change: c.937C>T on transcript NM_198173.3 (MANE Select); coding-DNA position 937, C replaced by T.
Protein change: p.Arg313Trp; replaces arginine 313 with tryptophan.
Molecular consequence: missense variant.
Genome position (GRCh38, 1-based): chr1:24,338,088, C>T. VCF-style: chr1-24338088-C-T. GRCh37 (hg19) VCF-style: chr1-24664578-C-T.
Other names: c.799C>T, p.Arg267Trp (NM_001195010.2); c.952C>T, p.Arg318Trp (NM_021180.4); c.937C>T, p.Arg313Trp (NM_198174.3); short protein forms R267W, R318W, R313W.
Identifiers: ClinVar variation 4764361 (VCV004764361.1).